The following is an entry in ClinVar:

ClinVar aggregate classification (germline): Uncertain significance. Review status: criteria provided, multiple submitters, no conflicts (2 of 4 stars). 3 submissions from 3 submitters: Uncertain significance (3). Last evaluated 2025-06-24.

Conditions:
Cardiovascular phenotype. Identifiers: MedGen CN230736.
Long QT syndrome (LQTS). Identifiers: MedGen C0023976, MeSH D008133, MONDO:0002442. Disease mechanism: loss of function. Inheritance: Various modes of inheritance.
Long QT syndrome 11 (LQT11). Identifiers: Orphanet 101016, Orphanet 768, MedGen C2678483, MONDO:0012738, OMIM 611820.

gnomAD v4.1: 1 of 1,614,180 alleles (0.000062%); highest among the groups gnomAD compares: Admixed American, 0.0017%; no homozygotes.

Submissions (3):

Labcorp Genetics (formerly Invitae), Labcorp
Classification: Uncertain significance for Long QT syndrome. Last evaluated: 2025-06-24. Review status: criteria provided, single submitter. Criteria: Invitae Variant Classification Sherloc (09022015). Collection method: clinical testing. Allele origin: germline.
Comment: This sequence change replaces histidine, which is basic and polar, with glutamine, which is neutral and polar, at codon 3323 of the AKAP9 protein (p.His3323Gln). This variant is present in population databases (rs566937987, gnomAD no frequency). This variant has not been reported in the literature in individuals affected with AKAP9-related conditions. ClinVar contains an entry for this variant (Variation ID: 1472450). An algorithm developed to predict the effect of missense changes on protein structure and function (PolyPhen-2) suggests that this variant is likely to be tolerated. In summary, the available evidence is currently insufficient to determine the role of this variant in disease. Therefore, it has been classified as a Variant of Uncertain Significance.

Ambry Genetics
Classification: Uncertain significance for Cardiovascular phenotype. Last evaluated: 2024-11-23. Review status: criteria provided, single submitter. Criteria: Ambry Variant Classification Scheme 2023. Collection method: clinical testing. Allele origin: germline.
Comment: The p.H3323Q variant (also known as c.9969C>A), located in coding exon 41 of the AKAP9 gene, results from a C to A substitution at nucleotide position 9969. The histidine at codon 3323 is replaced by glutamine, an amino acid with highly similar properties. This amino acid position is conserved. In addition, this alteration is predicted to be tolerated by in silico analysis. Based on the available evidence, the clinical significance of this variant remains unclear.

Fulgent Genetics
Classification: Uncertain significance for Long QT syndrome 11. Last evaluated: 2021-08-30. Review status: criteria provided, single submitter. Criteria: ACMG Guidelines, 2015. Collection method: clinical testing. Allele origin: unknown.

NM_005751.5(AKAP9):c.9969C>A (p.His3323Gln)

Gene: AKAP9 (A-kinase anchoring protein 9; plus strand). Cytogenetic location: 7q21.2.
Variant type: single nucleotide variant.
Coding change: c.9969C>A on transcript NM_005751.5 (MANE Select); coding-DNA position 9969, C replaced by A.
Protein change: p.His3323Gln; replaces histidine 3323 with glutamine.
Molecular consequence: missense variant.
Genome position (GRCh38, 1-based): chr7:92,096,928, C>A. VCF-style: chr7-92096928-C-A. GRCh37 (hg19) VCF-style: chr7-91726242-C-A.
Other names: c.4614C>A, p.His1538Gln (NM_001379277.1); c.9945C>A, p.His3315Gln (NM_147185.3); c.9969C>A (NM_005751.4); short protein forms H3315Q, H3323Q, H1538Q.
Identifiers: ClinVar variation 1472450 (VCV001472450.10), dbSNP rs566937987, ClinGen allele CA4337875.